The following is an entry in ClinVar:

ClinVar aggregate classification (germline): Benign/Likely benign. Review status: criteria provided, multiple submitters, no conflicts (2 of 4 stars). 6 submissions from 6 submitters: Benign (3); Likely benign (2). 1 of the submissions does not count toward it. Last evaluated 2026-02-03.

Conditions:
Retinitis pigmentosa (RP). Identifiers: Orphanet 791, MedGen C0035334, MeSH D012174, MONDO:0019200, OMIM 268000. Inheritance: Autosomal dominant, autosomal recessive and X linked inheritance.

Allele frequency attached by ClinVar (database versions not stated): 1000 Genomes Project 0.01398; 1000 Genomes Project 30x 0.01530; gnomAD exomes 0.02199; TOPMed 0.02408; ESP Exome Variant Server 0.02569; gnomAD 0.02696 and 0.02837.
gnomAD v4.1: 39,113 of 1,611,786 alleles (2.4%); highest among the groups gnomAD compares: African/African-American, 3.3%; 578 homozygotes.

Submissions (6):

Labcorp Genetics (formerly Invitae), Labcorp
Classification: Benign. Last evaluated: 2026-02-03. Review status: criteria provided, single submitter. Criteria: Invitae Variant Classification Sherloc (09022015). Collection method: clinical testing. Allele origin: germline.

Illumina Laboratory Services, Illumina
Classification: Likely benign for Retinitis pigmentosa. Last evaluated: 2018-01-13. Review status: criteria provided, single submitter. Criteria: ICSL Variant Classification Criteria 13 December 2019. Collection method: clinical testing. Allele origin: germline.
Comment: This variant was observed in the ICSL laboratory as part of a predisposition screen in an ostensibly healthy population. It had not been previously curated by ICSL or reported in the Human Gene Mutation Database (HGMD: prior to June 1st, 2018), and was therefore a candidate for classification through an automated scoring system. Utilizing variant allele frequency, disease prevalence and penetrance estimates, and inheritance mode, an automated score was calculated to assess if this variant is too frequent to cause the disease. Based on the score and internal cut-off values, a variant classified as likely benign is not then subjected to further curation. The score for this variant resulted in a classification of likely benign for this disease.

Eurofins Ntd Llc (ga)
Classification: Benign. Last evaluated: 2017-02-28. Review status: criteria provided, single submitter. Criteria: EGL Classification Definitions 2015. Collection method: clinical testing. Allele origin: germline. Observed: 1 variant allele, 1 heterozygote.

GeneDx
Classification: Benign. Last evaluated: 2015-03-03. Review status: criteria provided, single submitter. Criteria: GeneDx Variant Classification Process June 2021. Collection method: clinical testing. Allele origin: germline. Affected: yes.

Breakthrough Genomics
Classification: Likely benign. Review status: criteria provided, single submitter. Criteria: ACMG Guidelines, 2015. Collection method: not provided. Allele origin: germline. Inheritance: Autosomal dominant inheritance. Affected: yes.

Retina International
No classification provided. Review status: no classification provided. Collection method: not provided. Allele origin: not provided. Not counted in ClinVar's aggregate classification.

NM_004183.4(BEST1):c.1023C>T (p.Pro341=)

Gene: BEST1 (bestrophin 1; plus strand). Cytogenetic location: 11q12.3.
Variant type: single nucleotide variant.
Coding change: c.1023C>T on transcript NM_004183.4 (MANE Select); coding-DNA position 1023, C replaced by T.
Protein change: p.Pro341=; no amino-acid change (proline 341 retained).
Molecular consequence: synonymous variant. On other transcripts: missense variant (1), non-coding transcript variant (1).
Genome position (GRCh38, 1-based): chr11:61,959,966, C>T. VCF-style: chr11-61959966-C-T. GRCh37 (hg19) VCF-style: chr11-61727438-C-T.
Other names: c.843C>T, p.Pro281= (NM_001139443.3, NM_001300787.2); c.762C>T, p.Pro254= (NM_001300786.2); c.705C>T, p.Pro235= (NM_001363591.3); c.1226C>T, p.Pro409Leu (NM_001363592.2); c.51C>T, p.Pro17= (NM_001363593.3); short protein forms P409L.
Identifiers: ClinVar variation 99676 (VCV000099676.20), dbSNP rs1801390, ClinGen allele CA227720.
Genomic context (GRCh38, chr11:61,959,966, plus strand): 5'-TGTGGATGAGATGCACCAGGACCTGCCTCGGATGGAGCCGGACATGTACTGGAATAAGCC[C>T]GAGCCACAGCCCCCCTACACAGCTGCTTCCGCCCAGTTCCGTCGAGCCTCCTTTATGGGC-3'
Protein context (NP_004174.1, residues 331-351): RMEPDMYWNK[Pro341=]EPQPPYTAAS